The following is an entry in ClinVar:

NM_031935.3(HMCN1):c.7868G>A (p.Arg2623His)

Gene: HMCN1 (hemicentin 1; plus strand). Cytogenetic location: 1q31.1.
Variant type: single nucleotide variant.
Coding change: c.7868G>A on transcript NM_031935.3 (MANE Select); coding-DNA position 7868, G replaced by A.
Protein change: p.Arg2623His; replaces arginine 2623 with histidine.
Molecular consequence: missense variant.
Genome position (GRCh38, 1-based): chr1:186,067,996, G>A. VCF-style: chr1-186067996-G-A. GRCh37 (hg19) VCF-style: chr1-186037128-G-A.
Other names: short protein forms R2623H.
Identifiers: ClinVar variation 1912223 (VCV001912223.5), dbSNP rs747160146, ClinGen allele CA1292953.
Genomic context (GRCh38, chr1:186,067,996, plus strand): 5'-CTCCAGCTACCATCACCTGGTTTAAGGATGGCACTCCTTTAGAATCTAACCGAAATATTC[G>A]TATTCTTCCAGGTAATTCATTTGCTTCAGATGTCCAAGATGCATCTGCGTCATCTACTAT-3'
Protein context (NP_114141.2, residues 2613-2633): GTPLESNRNI[Arg2623His]ILPGGRTLQI

ClinVar aggregate classification (germline): Uncertain significance (1 of 4 stars; one submission).

Allele frequency attached by ClinVar (database versions not stated): ExAC 0.00001; gnomAD exomes 0.00001; TOPMed 0.00005.
gnomAD v4.1: 25 of 1,612,858 alleles (0.0016%); highest among the groups gnomAD compares: Admixed American, 0.022%; no homozygotes.

Submission:

Labcorp Genetics (formerly Invitae), Labcorp
Classification: Uncertain significance. Last evaluated: 2023-08-05. Review status: criteria provided, single submitter. Criteria: Invitae Variant Classification Sherloc (09022015). Collection method: clinical testing. Allele origin: germline.
Comment: This sequence change replaces arginine, which is basic and polar, with histidine, which is basic and polar, at codon 2623 of the HMCN1 protein (p.Arg2623His). This variant is present in population databases (rs747160146, gnomAD 0.01%). This variant has not been reported in the literature in individuals affected with HMCN1-related conditions. ClinVar contains an entry for this variant (Variation ID: 1912223). An algorithm developed to predict the effect of missense changes on protein structure and function (PolyPhen-2) suggests that this variant is likely to be disruptive. In summary, the available evidence is currently insufficient to determine the role of this variant in disease. Therefore, it has been classified as a Variant of Uncertain Significance.